The following is an entry in ClinVar:

NM_001004334.4(GPR179):c.3758C>G (p.Thr1253Arg)

Gene: GPR179 (G protein-coupled receptor 179; minus strand). Cytogenetic location: 17q12.
Variant type: single nucleotide variant.
Coding change: c.3758C>G on transcript NM_001004334.4 (MANE Select); coding-DNA position 3758, C replaced by G.
Protein change: p.Thr1253Arg; replaces threonine 1253 with arginine.
Molecular consequence: missense variant.
Genome position (GRCh38, 1-based): chr17:38,329,811, G>C on the plus strand (C>G on the coding strand, the complement: GPR179 is on the minus strand). VCF-style: chr17-38329811-G-C. GRCh37 (hg19) VCF-style: chr17-36485694-G-C.
Other names: short protein forms T1253R.
Identifiers: ClinVar variation 1464381 (VCV001464381.6), dbSNP rs781377071, ClinGen allele CA398878589.
Genomic context (GRCh38, chr17:38,329,811, plus strand): 5'-GCTCCTTCACTCGTCTCCCAGGGGCAGATTTCGGCCTTGTTGCCACTGTCTGGCTGACGC[G>C]TTTCTGATTCAGTGACCTCCCAGGGGCATACCTCTGCCACCCTGTGGTCAGCGCTGCCCA-3'
Protein context (NP_001004334.3, residues 1243-1263): VCPWEVTESE[Thr1253Arg]RQPDSGNKAE

ClinVar aggregate classification (germline): Uncertain significance (1 of 4 stars; one submission).

gnomAD v4.1: 4 of 1,614,128 alleles (0.00025%); highest among the groups gnomAD compares: Admixed American, 0.0067%; no homozygotes.

Submission:

Labcorp Genetics (formerly Invitae), Labcorp
Classification: Uncertain significance. Last evaluated: 2024-12-09. Review status: criteria provided, single submitter. Criteria: Invitae Variant Classification Sherloc (09022015). Collection method: clinical testing. Allele origin: germline.
Comment: This sequence change replaces threonine, which is neutral and polar, with arginine, which is basic and polar, at codon 1253 of the GPR179 protein (p.Thr1253Arg). This variant is present in population databases (no rsID available, gnomAD 0.009%). This variant has not been reported in the literature in individuals affected with GPR179-related conditions. ClinVar contains an entry for this variant (Variation ID: 1464381). An algorithm developed to predict the effect of missense changes on protein structure and function (PolyPhen-2) suggests that this variant is likely to be tolerated. In summary, the available evidence is currently insufficient to determine the role of this variant in disease. Therefore, it has been classified as a Variant of Uncertain Significance.